The following is an entry in ClinVar:

NM_001171.6(ABCC6):c.2101T>A (p.Trp701Arg)

Gene: ABCC6 (ATP binding cassette subfamily C member 6; minus strand). Cytogenetic location: 16p13.11.
Variant type: single nucleotide variant.
Coding change: c.2101T>A on transcript NM_001171.6 (MANE Select); coding-DNA position 2101, T replaced by A.
Protein change: p.Trp701Arg; replaces tryptophan 701 with arginine.
Molecular consequence: missense variant. On other transcripts: non-coding transcript variant (1).
Genome position (GRCh38, 1-based): chr16:16,182,558, A>T on the plus strand (T>A on the coding strand, the complement: ABCC6 is on the minus strand). VCF-style: chr16-16182558-A-T. GRCh37 (hg19) VCF-style: chr16-16276415-A-T.
Other names: c.1759T>A, p.Trp587Arg (NM_001351800.1); short protein forms W587R, W701R.
Identifiers: ClinVar variation 3692142 (VCV003692142.2).

ClinVar aggregate classification (germline): Likely pathogenic (1 of 4 stars; one submission).

Submission:

Labcorp Genetics (formerly Invitae), Labcorp
Classification: Likely pathogenic. Last evaluated: 2025-01-15. Review status: criteria provided, single submitter. Criteria: Invitae Variant Classification Sherloc (09022015). Collection method: clinical testing. Allele origin: germline.
Comment: This sequence change replaces tryptophan, which is neutral and slightly polar, with arginine, which is basic and polar, at codon 701 of the ABCC6 protein (p.Trp701Arg). This variant is not present in population databases (gnomAD no frequency). This missense change has been observed in individual(s) with pseudoxanthoma elasticum (internal data). Invitae Evidence Modeling of protein sequence and biophysical properties (such as structural, functional, and spatial information, amino acid conservation, physicochemical variation, residue mobility, and thermodynamic stability) indicates that this missense variant is expected to disrupt ABCC6 protein function with a positive predictive value of 95%. In summary, the currently available evidence indicates that the variant is pathogenic, but additional data are needed to prove that conclusively. Therefore, this variant has been classified as Likely Pathogenic.